The following is an entry in ClinVar:

NM_001127222.2(CACNA1A):c.409G>T (p.Glu137Ter)

Gene: CACNA1A (calcium voltage-gated channel subunit alpha1 A; minus strand). Cytogenetic location: 19p13.13.
Variant type: single nucleotide variant.
Coding change: c.409G>T on transcript NM_001127222.2 (MANE Select); coding-DNA position 409, G replaced by T.
Protein change: p.Glu137Ter; replaces glutamic acid 137 with a stop codon.
Molecular consequence: nonsense.
Genome position (GRCh38, 1-based): chr19:13,453,006, C>A on the plus strand (G>T on the coding strand, the complement: CACNA1A is on the minus strand). VCF-style: chr19-13453006-C-A. GRCh37 (hg19) VCF-style: chr19-13563820-C-A.
Other names: c.409G>T, p.Glu137Ter (NM_000068.4, NM_001127221.2, NM_001174080.2 and 1 more transcripts); short protein forms E137*.
Identifiers: ClinVar variation 4999113 (VCV004999113.1).

ClinVar aggregate classification (germline): Likely pathogenic (1 of 4 stars; one submission).

Conditions:
CACNA1A-related disorder. Also called: CACNA1A-related condition.

Submission:

PreventionGenetics, part of Exact Sciences
Classification: Likely pathogenic for CACNA1A-related condition. Last evaluated: 2024-11-25. Review status: criteria provided, single submitter. Criteria: ACMG Guidelines, 2015. Collection method: clinical testing. Allele origin: germline.
Comment: The CACNA1A c.409G>T variant is predicted to result in premature protein termination (p.Glu137*). To our knowledge, this variant has not been reported in the literature or in a large population database (gnomAD), indicating this variant is rare. Nonsense variants in CACNA1A are expected to be pathogenic. This variant is interpreted as likely pathogenic.